The following is an entry in ClinVar:

NM_001377.3(DYNC2H1):c.7516T>G (p.Leu2506Val)

Gene: DYNC2H1 (dynein cytoplasmic 2 heavy chain 1; plus strand). Cytogenetic location: 11q22.3.
Variant type: single nucleotide variant.
Coding change: c.7516T>G on transcript NM_001377.3 (MANE Select); coding-DNA position 7516, T replaced by G.
Protein change: p.Leu2506Val; replaces leucine 2506 with valine.
Molecular consequence: missense variant.
Genome position (GRCh38, 1-based): chr11:103,191,595, T>G. VCF-style: chr11-103191595-T-G. GRCh37 (hg19) VCF-style: chr11-103062324-T-G.
Other names: c.7516T>G, p.Leu2506Val (NM_001080463.2); short protein forms L2506V.
Identifiers: ClinVar variation 4293718 (VCV004293718.1).

ClinVar aggregate classification (germline): Uncertain significance (1 of 4 stars; one submission).

Conditions:
Asphyxiating thoracic dystrophy 3. Also called: SHORT-RIB THORACIC DYSPLASIA 3 WITH OR WITHOUT POLYDACTYLY; POLYDACTYLY WITH NEONATAL CHONDRODYSTROPHY, TYPE I; SHORT-RIB THORACIC DYSPLASIA 3/6 WITH POLYDACTYLY, DIGENIC; Short rib polydactyly syndrome 2B; Saldino-Noonan Syndrome. Identifiers: Orphanet 474, Orphanet 93269, Orphanet 93270, Orphanet 93271, MedGen C0036069, MONDO:0013127, OMIM 613091.

Submission:

3billion
Classification: Uncertain significance for Asphyxiating thoracic dystrophy 3. Last evaluated: 2024-11-26. Review status: criteria provided, single submitter. Criteria: ACMG Guidelines, 2015. Collection method: clinical testing. Allele origin: germline. Affected: yes.
Comment: The variant is not observed in the gnomAD v4.1.0 dataset. Predicted Consequence/Location: Missense variant Damaging effect on gene or gene product predicted by in silico programs is uncertain [REVEL: 0.15 (damaging >=0.6, benign <0.4), 3Cnet: 0.19 (damaging >=0.6, benign <0.15)]. Therefore, this variant is classified as VUS according to the recommendation of ACMG/AMP guideline.